The following is an entry in ClinVar:

ClinVar aggregate classification (germline): Likely pathogenic (1 of 4 stars; one submission).

Conditions:
Joubert syndrome. Also called: CEREBELLOPARENCHYMAL DISORDER IV; JOUBERT-BOLTSHAUSER SYNDROME; Familial aplasia of the vermis. Identifiers: Orphanet 475, MedGen C5979921, MONDO:0018772.
Orofaciodigital syndrome I (OFD1). Also called: OFDS I; Papillon-Leage and Psaume Syndrome; Oral-Facial-Digital Syndrome Type I. Identifiers: Orphanet 2750, MedGen C1510460, MONDO:0010702, OMIM 311200.

Allele frequency attached by ClinVar (database versions not stated): gnomAD 0.00002; gnomAD exomes 0.00002; TOPMed 0.00003; ExAC 0.00009.

Submission:

Labcorp Genetics (formerly Invitae), Labcorp
Classification: Likely pathogenic for Orofaciodigital syndrome I; Joubert syndrome. Last evaluated: 2022-06-22. Review status: criteria provided, single submitter. Criteria: Invitae Variant Classification Sherloc (09022015). Collection method: clinical testing. Allele origin: germline.
Comment: In summary, the currently available evidence indicates that the variant is pathogenic, but additional data are needed to prove that conclusively. Therefore, this variant has been classified as Likely Pathogenic. Algorithms developed to predict the effect of sequence changes on RNA splicing suggest that this variant may disrupt the consensus splice site. This variant has not been reported in the literature in individuals affected with OFD1-related conditions. This variant is present in population databases (rs750227810, gnomAD 0.01%). This sequence change affects an acceptor splice site in intron 17 of the OFD1 gene. It is expected to disrupt RNA splicing. Variants that disrupt the donor or acceptor splice site typically lead to a loss of protein function (PMID: 16199547), and loss-of-function variants in OFD1 are known to be pathogenic (PMID: 16783569, 18546297, 27081566).

Literature cited by the submitters: PubMed 16199547; PubMed 16783569; PubMed 18546297; PubMed 27081566.

NM_003611.3(OFD1):c.2388-1G>A

Gene: OFD1 (OFD1 centriole and centriolar satellite protein; plus strand). Cytogenetic location: Xp22.2.
Variant type: single nucleotide variant.
Coding change: c.2388-1G>A on transcript NM_003611.3 (MANE Select); the canonical splice acceptor site of the intron before coding-DNA position 2388, G replaced by A.
Molecular consequence: splice acceptor variant.
Genome position (GRCh38, 1-based): chrX:13,762,343, G>A. VCF-style: chrX-13762343-G-A. GRCh37 (hg19) VCF-style: chrX-13780462-G-A.
Other names: c.1968-1G>A (NM_001330210.2); c.2268-1G>A (NM_001330209.2).
Identifiers: ClinVar variation 1907577 (VCV001907577.5), dbSNP rs750227810, ClinGen allele CA10352003.